The following is an entry in ClinVar:

NM_005765.3(ATP6AP2):c.-35G>C

Gene: ATP6AP2 (ATPase H+ transporting accessory protein 2; plus strand). Cytogenetic location: Xp11.4.
Variant type: single nucleotide variant.
Coding change: c.-35G>C on transcript NM_005765.3 (MANE Select); 35 bases upstream of the start codon, G replaced by C.
Molecular consequence: 5 prime UTR variant.
Genome position (GRCh38, 1-based): chrX:40,581,031, G>C. VCF-style: chrX-40581031-G-C. GRCh37 (hg19) VCF-style: chrX-40440283-G-C.
Identifiers: ClinVar variation 136464 (VCV000136464.1), dbSNP rs111632930, ClinGen allele CA289600.

ClinVar aggregate classification (germline): Benign (1 of 4 stars; one submission).

Allele frequency attached by ClinVar (database versions not stated): gnomAD exomes 0.00104 and 0.00237; ExAC 0.00436; 1000 Genomes Project 30x 0.00770; ESP Exome Variant Server 0.00805; 1000 Genomes Project 0.00848; gnomAD 0.01002 and 0.01091; TOPMed 0.01206.
gnomAD v4.1: 2,283 of 1,162,744 alleles (0.2%); highest among the groups gnomAD compares: African/African-American, 3.6%; 27 homozygotes.

Submission:

GeneDx
Classification: Benign. Last evaluated: 2013-02-28. Review status: criteria provided, single submitter. Criteria: GeneDx Variant Classification (06012015). Collection method: clinical testing. Allele origin: germline. Affected: yes.
Comment: This variant is considered likely benign or benign based on one or more of the following criteria: it is a conservative change, it occurs at a poorly conserved position in the protein, it is predicted to be benign by multiple in silico algorithms, and/or has population frequency not consistent with disease.